The following is an entry in ClinVar:

NM_001040105.2(MUC17):c.7064C>T (p.Thr2355Ile)

Gene: MUC17 (mucin 17, cell surface associated; plus strand). Cytogenetic location: 7q22.1.
Variant type: single nucleotide variant.
Coding change: c.7064C>T on transcript NM_001040105.2 (MANE Select); coding-DNA position 7064, C replaced by T.
Protein change: p.Thr2355Ile; replaces threonine 2355 with isoleucine.
Molecular consequence: missense variant. On other transcripts: non-coding transcript variant (1).
Genome position (GRCh38, 1-based): chr7:101,038,480, C>T. VCF-style: chr7-101038480-C-T. GRCh37 (hg19) VCF-style: chr7-100681761-C-T.
Other names: short protein forms T2355I.
Identifiers: ClinVar variation 2657843 (VCV002657843.24), dbSNP rs143165313, ClinGen allele CA4402964.
Genomic context (GRCh38, chr7:101,038,480, plus strand): 5'-AAGGAAACACTCCATTAACACGTATGCCTGTCAGCACCACAATGGTGGCCAGTTTTGAAA[C>T]AAGCACACTTTCTACAACTCCTGCTGACACCAGCACACCTGTGACTACTTATTCTCAAGC-3'
Protein context (NP_001035194.1, residues 2345-2365): VSTTMVASFE[Thr2355Ile]STLSTTPADT

ClinVar aggregate classification (germline): Likely benign (1 of 4 stars; one submission).

Allele frequency attached by ClinVar (database versions not stated): 1000 Genomes Project 30x 0.00219; 1000 Genomes Project 0.00220; TOPMed 0.00424; ESP Exome Variant Server 0.00431; gnomAD 0.00441; ExAC 0.00494.
gnomAD v4.1: 8,572 of 1,604,224 alleles (0.53%); highest among the groups gnomAD compares: Non-Finnish European, 0.57%; 30 homozygotes.

Submission:

CeGaT Center for Human Genetics Tuebingen
Classification: Likely benign. Last evaluated: 2023-05-01. Review status: criteria provided, single submitter. Criteria: CeGaT Center For Human Genetics Tuebingen Variant Classification Criteria Version 2. Collection method: clinical testing. Allele origin: germline. Affected: yes. Observed: 2 variant alleles.
Comment: MUC17: BP4, BS2